The following is an entry in ClinVar:

NM_206933.4(USH2A):c.7151C>G (p.Thr2384Arg)

Gene: USH2A (usherin; minus strand). Cytogenetic location: 1q41.
Variant type: single nucleotide variant.
Coding change: c.7151C>G on transcript NM_206933.4 (MANE Select); coding-DNA position 7151, C replaced by G.
Protein change: p.Thr2384Arg; replaces threonine 2384 with arginine.
Molecular consequence: missense variant.
Genome position (GRCh38, 1-based): chr1:215,934,765, G>C on the plus strand (C>G on the coding strand, the complement: USH2A is on the minus strand). VCF-style: chr1-215934765-G-C. GRCh37 (hg19) VCF-style: chr1-216108107-G-C.
Other names: short protein forms T2384R.
Identifiers: ClinVar variation 2149979 (VCV002149979.2), dbSNP rs765692429, ClinGen allele CA1394928.

ClinVar aggregate classification (germline): Uncertain significance. Review status: criteria provided, multiple submitters, no conflicts (2 of 4 stars). 2 submissions from 2 submitters: Uncertain significance (2). Last evaluated 2022-07-14.

Allele frequency attached by ClinVar (database versions not stated): gnomAD 0.00001; ExAC 0.00004.
gnomAD v4.1: 21 of 1,612,346 alleles (0.0013%); highest among the groups gnomAD compares: South Asian, 0.022%; no homozygotes.

Submissions (2):

Labcorp Genetics (formerly Invitae), Labcorp
Classification: Uncertain significance. Last evaluated: 2022-07-14. Review status: criteria provided, single submitter. Criteria: Invitae Variant Classification Sherloc (09022015). Collection method: clinical testing. Allele origin: germline.
Comment: This sequence change replaces threonine, which is neutral and polar, with arginine, which is basic and polar, at codon 2384 of the USH2A protein (p.Thr2384Arg). This variant is present in population databases (rs765692429, gnomAD 0.03%). This variant has not been reported in the literature in individuals affected with USH2A-related conditions. Algorithms developed to predict the effect of missense changes on protein structure and function are either unavailable or do not agree on the potential impact of this missense change (SIFT: "Deleterious"; PolyPhen-2: "Benign"; Align-GVGD: "Class C0"). Algorithms developed to predict the effect of sequence changes on RNA splicing suggest that this variant may create or strengthen a splice site. In summary, the available evidence is currently insufficient to determine the role of this variant in disease. Therefore, it has been classified as a Variant of Uncertain Significance.

Blueprint Genetics
Classification: Uncertain significance. Last evaluated: 2019-03-27. Review status: criteria provided, single submitter. Criteria: ACMG Guidelines, 2015. Collection method: clinical testing. Allele origin: germline.